The following is an entry in ClinVar:

NM_007294.4(BRCA1):c.4002_4005del (p.Leu1335fs)

Genes: BRCA1 (BRCA1 DNA repair associated; minus strand), LOC126862571 (BRD4-independent group 4 enhancer GRCh37_chr17:41243136-41244335; plus strand). Cytogenetic location: 17q21.31.
Variant type: Deletion.
Coding change: c.4002_4005del on transcript NM_007294.4 (MANE Select); coding-DNA positions 4002 to 4005, 4 bases deleted (TCTG; older notation c.4002_4005delTCTG).
Protein change: p.Leu1335fs; shifts the reading frame from leucine 1335.
Molecular consequence: frameshift variant. On other transcripts: intron variant (135).
Genome position (GRCh38, 1-based): chr17:43,091,526-43,091,529, CAGA deleted on the plus strand (TCTG on the coding strand, the reverse complement: BRCA1 is on the minus strand); deleting any 4 consecutive bases within chr17:43,091,526-43,091,530 gives the same sequence; the c. name uses the placement nearest the transcript's 3' end. VCF-style (leftmost placement, unchanged base first): chr17-43091525-TCAGA-T. GRCh37 (hg19) VCF-style: chr17-41243542-TCAGA-T.
Other names: 4121del4-ter1365; c.3666_3669del, p.Leu1223fs (NM_001407958.1, NM_001407954.1, NM_001407955.1 and 1 more transcripts); c.3621_3624del, p.Leu1208fs (NM_001407959.1, NM_001407960.1, NM_001407963.1); c.3618_3621del, p.Leu1207fs (NM_001407962.1); c.3858_3861del, p.Leu1287fs (NM_001407964.1, NM_001407740.1, NM_001407741.1 and 20 more transcripts); c.3498_3501del, p.Leu1167fs (NM_001407965.1); c.3114_3117del, p.Leu1039fs (NM_001407966.1, NM_001407967.1); c.1398_1401del, p.Leu467fs (NM_001407968.1, NM_001407969.1); and 43 more; short protein forms L1335fs, L1288fs, L1223fs, L1224fs, L1247fs, L1268fs, L1294fs, L1039fs.
Identifiers: ClinVar variation 55074 (VCV000055074.8), dbSNP rs397509128, ClinGen allele CA002565.

ClinVar aggregate classification (germline): Pathogenic. Review status: reviewed by expert panel (3 of 4 stars). 3 submissions from 3 submitters: Pathogenic (1). 2 of the submissions do not count toward it. Last evaluated 2016-10-18.

Conditions:
Familial cancer of breast. Also called: hereditary breast carcinoma; BREAST CANCER, FAMILIAL; Hereditary breast cancer. Identifiers: Orphanet 227535, MedGen C0346153, MONDO:0016419, OMIM 114480. Disease mechanism: loss of function.
Breast-ovarian cancer, familial, susceptibility to, 1 (BROVCA1). Also called: BRCA1 Hereditary Breast and Ovarian Cancer; OVARIAN CANCER, SUSCEPTIBILITY TO. Identifiers: Orphanet 145, MedGen C2676676, MONDO:0011450, OMIM 604370. Disease mechanism: loss of function.

Submissions (3):

Evidence-based Network for the Interpretation of Germline Mutant Alleles (ENIGMA)
Classification: Pathogenic for Breast-ovarian cancer, familial, susceptibility to, 1. Last evaluated: 2016-10-18. Review status: reviewed by expert panel. Criteria: ENIGMA BRCA1/2 Classification Criteria (2015). Collection method: curation. Allele origin: germline.
Comment: Variant allele predicted to encode a truncated non-functional protein.

Department of Clinical Genetics, Copenhagen University Hospital, Rigshospitalet
Classification: Pathogenic for Familial cancer of breast. Last evaluated: 2025-12-10. Review status: criteria provided, single submitter. Criteria: ACMG Guidelines, 2015. Collection method: clinical testing. Allele origin: germline. Not counted in ClinVar's aggregate classification.
Comment: The following ACMG criteria has been used: PM2_SUP; PVS1; PM5_Strong (PTC)

Consortium of Investigators of Modifiers of BRCA1/2 (CIMBA), c/o University of Cambridge
Classification: Pathogenic for Breast-ovarian cancer, familial, susceptibility to, 1. Last evaluated: 2015-10-02. Review status: criteria provided, single submitter. Criteria: CIMBA Mutation Classification guidelines May 2016. Collection method: clinical testing. Allele origin: germline. Not counted in ClinVar's aggregate classification.

Literature cited by the submitters: PubMed 21318380 (cited by Department of Clinical Genetics, Copenhagen University Hospital, Rigshospitalet).